The following is an entry in ClinVar:

NM_001999.4(FBN2):c.1832A>G (p.Asp611Gly)

Gene: FBN2 (fibrillin 2; minus strand). Cytogenetic location: 5q23.3.
Variant type: single nucleotide variant.
Coding change: c.1832A>G on transcript NM_001999.4 (MANE Select); coding-DNA position 1832, A replaced by G.
Protein change: p.Asp611Gly; replaces aspartic acid 611 with glycine.
Molecular consequence: missense variant.
Genome position (GRCh38, 1-based): chr5:128,377,769, T>C on the plus strand (A>G on the coding strand, the complement: FBN2 is on the minus strand). VCF-style: chr5-128377769-T-C. GRCh37 (hg19) VCF-style: chr5-127713462-T-C.
Other names: short protein forms D611G.
Identifiers: ClinVar variation 3731363 (VCV003731363.1).

ClinVar aggregate classification (germline): Uncertain significance (1 of 4 stars; one submission).

Conditions:
Congenital contractural arachnodactyly (CCA). Also called: BEALS SYNDROME; Arthrogryposis, distal, type 9; Beals-Hecht syndrome. Identifiers: Orphanet 115, MedGen C0220668, MONDO:0007363, OMIM 121050.

gnomAD v4.1: 1 of 1,613,546 alleles (0.000062%); highest among the groups gnomAD compares: Non-Finnish European, 0.000085%; no homozygotes.

Submission:

Neuberg Centre For Genomic Medicine, NCGM
Classification: Uncertain significance for Congenital contractural arachnodactyly. Last evaluated: 2023-06-22. Review status: criteria provided, single submitter. Criteria: ACMG Guidelines, 2015. Collection method: clinical testing. Allele origin: germline. Inheritance: Autosomal dominant inheritance. Affected: yes.
Comment: The observed missense c.1832A>G(p.Asp611Gly) variant in FBN2 gene has not been reported previously as a pathogenic variant nor as a benign variant, to our knowledge. This variant is absent in gnomAD Exomes. The amino acid Asp at position 611 is changed to a Gly changing protein sequence and it might alter its composition and physico-chemical properties. The amino acid change p.Asp611Gly in FBN2 is predicted as conserved by GERP++ and PhyloP across 100 vertebrates. Computational evidence (Polyphen - Possibly Damaging, SIFT - Tolerated, and MutationTaster - Disease causing) predicts conflicting evidence on protein structure and function for this variant. For these reasons, this variant has been classified as Uncertain Significance.